The following is an entry in ClinVar:

ClinVar aggregate classification (germline): Likely benign. Review status: criteria provided, single submitter (1 of 4 stars). 2 submissions from 2 submitters: Likely benign (1). 1 of the submissions does not count toward it. Last evaluated 2022-03-10.

Conditions:
RAX2-related disorder. Also called: RAX2-related condition; RAX2-related disorders.

Allele frequency attached by ClinVar (database versions not stated): gnomAD 0.00001; gnomAD exomes 0.00001 and 0.00002.

Submissions (2):

Labcorp Genetics (formerly Invitae), Labcorp
Classification: Likely benign. Last evaluated: 2022-03-10. Review status: criteria provided, single submitter. Criteria: Invitae Variant Classification Sherloc (09022015). Collection method: clinical testing. Allele origin: germline.

PreventionGenetics, part of Exact Sciences
Classification: Likely benign for RAX2-related condition. Last evaluated: 2019-07-24. Review status: no assertion criteria provided. Collection method: clinical testing. Allele origin: germline. Not counted in ClinVar's aggregate classification.
Comment: This variant is classified as likely benign based on ACMG/AMP sequence variant interpretation guidelines (Richards et al. 2015 PMID: 25741868, with internal and published modifications).

NM_001319074.4(RAX2):c.135G>A (p.Ala45=)

Gene: RAX2 (retina and anterior neural fold homeobox 2; minus strand). Cytogenetic location: 19p13.3.
Variant type: single nucleotide variant.
Coding change: c.135G>A on transcript NM_001319074.4 (MANE Select); coding-DNA position 135, G replaced by A.
Protein change: p.Ala45=; no amino-acid change (alanine 45 retained).
Molecular consequence: synonymous variant.
Genome position (GRCh38, 1-based): chr19:3,771,608, C>T on the plus strand (G>A on the coding strand, the complement: RAX2 is on the minus strand). VCF-style: chr19-3771608-C-T. GRCh37 (hg19) VCF-style: chr19-3771606-C-T.
Other names: c.135G>A, p.Ala45= (NM_032753.4); c.135G>A (NM_032753.3).
Identifiers: ClinVar variation 1143492 (VCV001143492.10), dbSNP rs1163670829, ClinGen allele CA504979374.